The following is an entry in ClinVar:

NM_001378615.1(CC2D2A):c.3072G>A (p.Arg1024=)

Genes: CC2D2A (coiled-coil and C2 domain containing 2A; plus strand), FBXL5 (F-box and leucine rich repeat protein 5; minus strand). Cytogenetic location: 4p15.32.
Variant type: single nucleotide variant.
Coding change: c.3072G>A on transcript NM_001378615.1 (MANE Select); coding-DNA position 3072, G replaced by A.
Protein change: p.Arg1024=; no amino-acid change (arginine 1024 retained).
Molecular consequence: synonymous variant.
Genome position (GRCh38, 1-based): chr4:15,563,412, G>A. VCF-style: chr4-15563412-G-A. GRCh37 (hg19) VCF-style: chr4-15565035-G-A.
Other names: c.3072G>A, p.Arg1024= (NM_001080522.2); c.2925G>A, p.Arg975= (NM_001378617.1).
Identifiers: ClinVar variation 291151 (VCV000291151.11), dbSNP rs886044669, ClinGen allele CA10607039.

ClinVar aggregate classification (germline): Conflicting classifications of pathogenicity. Review status: criteria provided, conflicting classifications (1 of 4 stars). 3 submissions from 3 submitters: Uncertain significance (1); Likely benign (2). Last evaluated 2025-04-09.

Conditions:
CC2D2A-related disorder. Also called: CC2D2A-related disorders; CC2D2A-related condition. Identifiers: MedGen CN239313.
Joubert syndrome. Also called: Familial aplasia of the vermis; JOUBERT-BOLTSHAUSER SYNDROME. Identifiers: Orphanet 475, MedGen C5979921, MONDO:0018772.
Meckel-Gruber syndrome. Also called: Dysencephalia splachnocystica; DYSENCEPHALIA SPLANCHNOCYSTICA; GRUBER SYNDROME. Identifiers: Orphanet 564, MedGen C0265215, MONDO:0018921.

Allele frequency attached by ClinVar (database versions not stated): gnomAD 0.00001; TOPMed 0.00001.
gnomAD v4.1: 1 of 1,609,266 alleles (0.000062%); highest among the groups gnomAD compares: African/African-American, 0.0013%; no homozygotes.

Submissions (3):

PreventionGenetics, part of Exact Sciences
Classification: Likely benign for CC2D2A-related condition. Last evaluated: 2025-04-09. Review status: criteria provided, single submitter. Criteria: ACMG Guidelines, 2015. Collection method: clinical testing. Allele origin: germline.
Comment: This variant is classified as likely benign based on ACMG/AMP sequence variant interpretation guidelines (Richards et al. 2015 PMID: 25741868, with internal and published modifications).

Labcorp Genetics (formerly Invitae), Labcorp
Classification: Likely benign for Joubert syndrome; Meckel-Gruber syndrome. Last evaluated: 2024-03-19. Review status: criteria provided, single submitter. Criteria: Invitae Variant Classification Sherloc (09022015). Collection method: clinical testing. Allele origin: germline.

Eurofins Ntd Llc (ga)
Classification: Uncertain significance. Last evaluated: 2016-09-07. Review status: criteria provided, single submitter. Criteria: EGL Classification Definitions 2015. Collection method: clinical testing. Allele origin: germline. Observed: 1 variant allele, 1 heterozygote.